The following is an entry in ClinVar:

NC_000011.9:g.(?_66283154)_(66287229_?)del

Gene: BBS1 (Bardet-Biedl syndrome 1; plus strand). Cytogenetic location: 11q13.2.
Variant type: Deletion.
Identifiers: ClinVar variation 1069864 (VCV001069864.6).

ClinVar aggregate classification (germline): Pathogenic (1 of 4 stars; one submission).

Conditions:
Bardet-Biedl syndrome (BBS). Identifiers: Orphanet 110, MedGen C0752166, MONDO:0015229.

Submission:

Labcorp Genetics (formerly Invitae), Labcorp
Classification: Pathogenic for Bardet-Biedl syndrome. Last evaluated: 2022-07-25. Review status: criteria provided, single submitter. Criteria: Invitae Variant Classification Sherloc (09022015). Collection method: clinical testing. Allele origin: germline.
Comment: For these reasons, this variant has been classified as Pathogenic. This variant has not been reported in the literature in individuals affected with BBS1-related conditions. This variant is a gross deletion of the genomic region encompassing exon(s) 6-8 of the BBS1 gene. This deletion is out-of-frame, and is expected to create a premature termination codon and result in an absent or disrupted protein product. Loss-of-function variants in BBS1 are known to be pathogenic (PMID: 12118255, 21520335, 27032803).

Literature cited by the submitters: PubMed 12118255; PubMed 21520335; PubMed 27032803.